The following is an entry in ClinVar:

ClinVar aggregate classification (germline): Likely pathogenic (1 of 4 stars; one submission).

Submission:

Labcorp Genetics (formerly Invitae), Labcorp
Classification: Likely pathogenic. Last evaluated: 2024-10-09. Review status: criteria provided, single submitter. Criteria: Invitae Variant Classification Sherloc (09022015). Collection method: clinical testing. Allele origin: germline.
Comment: This sequence change affects an acceptor splice site in intron 3 of the MDH2 gene. It is expected to disrupt RNA splicing. Variants that disrupt the donor or acceptor splice site typically lead to a loss of protein function (PMID: 16199547), and loss-of-function variants in MDH2 are known to be pathogenic (PMID: 27989324). This variant is not present in population databases (gnomAD no frequency). This variant has not been reported in the literature in individuals affected with MDH2-related conditions. Algorithms developed to predict the effect of sequence changes on RNA splicing suggest that this variant may disrupt the consensus splice site. In summary, the currently available evidence indicates that the variant is pathogenic, but additional data are needed to prove that conclusively. Therefore, this variant has been classified as Likely Pathogenic.

Literature cited by the submitters: PubMed 16199547; PubMed 27989324.

NM_005918.4(MDH2):c.320-1G>A

Gene: MDH2 (malate dehydrogenase 2; plus strand). Cytogenetic location: 7q11.23.
Variant type: single nucleotide variant.
Coding change: c.320-1G>A on transcript NM_005918.4 (MANE Select); the canonical splice acceptor site of the intron before coding-DNA position 320, G replaced by A.
Molecular consequence: splice acceptor variant.
Genome position (GRCh38, 1-based): chr7:76,057,968, G>A. VCF-style: chr7-76057968-G-A. GRCh37 (hg19) VCF-style: chr7-75687286-G-A.
Other names: c.320-1G>A (NM_001282403.2); c.-2-1G>A (NM_001282404.2).
Identifiers: ClinVar variation 3622166 (VCV003622166.2).